The following is an entry in ClinVar:

ClinVar aggregate classification (germline): Uncertain significance (1 of 4 stars; one submission).

Submission:

Clinical Genomics Laboratory, Laboratory for Precision Diagnostics, University of Washington
Classification: Uncertain significance. Last evaluated: 2025-03-05. Review status: criteria provided, single submitter. Criteria: ACMG/ClinGen CNV Guidelines, 2019. Collection method: clinical testing. Allele origin: unknown. Affected: yes. Observed: 1 variant allele.
Comment: This interstitial duplication of chromosome 21q22.3 is approximately 272 kb in size and impacts two protein-coding genes, PCBP3 (OMIM 608502) and COL6A1 (OMIM 120220). The proximal breakpoint falls within PCBP3 (NM_001384156.1), potentially disrupting this gene. COL6A1 is fully encompassed by the duplication. The duplicaiton doesn’t overlap any confirmed dosage sensitive genes or regions. PCBP3 is not currently known to be associated with health problems in humans. Variants in COL6A1 cause different types of muscle disorders (OMIM 158810 and 254090), but a whole-gene duplication does not appear to be one of the mechanisms of disease. DECIPHER patient 263229 has a similar duplication but also has an unbalanced chromosome translocation that likely explains their features of rocker bottom foot, abnormal motor neuron morphology, and abnormality of the voice. A similar duplication also appears at low frequency in healthy people (gnomAD v4.1 DUP_CHR21_2015F0F5).

GRCh38/hg38 21q22.3(chr21:45748600-46020978)x3

Genes: COL6A1 (collagen type VI alpha 1 chain; plus strand), PCBP3 (poly(rC) binding protein 3; plus strand), PCBP3-AS1 (PCBP3 antisense RNA 1; minus strand), LOC101928796 (uncharacterized LOC101928796; plus strand), LOC125418087 (Sharpr-MPRA regulatory region 9072; plus strand) and 4 more. Cytogenetic location: 21q22.3.
Variant type: copy number gain.
Change: copy number 3 (three copies instead of two) of chr21:45,748,600-46,020,978 (272.4 kb, GRCh38 coordinates, 1-based), cytogenetic band 21q22.3.
Identifiers: ClinVar variation 5038281 (VCV005038281.1).